The following is an entry in ClinVar:

NM_021930.6(RINT1):c.2057T>C (p.Ile686Thr)

Genes: EFCAB10 (EF-hand calcium binding domain 10; minus strand), RINT1 (RAD50 interactor 1; plus strand). Cytogenetic location: 7q22.3.
Variant type: single nucleotide variant.
Coding change: c.2057T>C on transcript NM_021930.6 (MANE Select); coding-DNA position 2057, T replaced by C.
Protein change: p.Ile686Thr; replaces isoleucine 686 with threonine.
Molecular consequence: missense variant. On other transcripts: stop lost (1), 3 prime UTR variant (1), synonymous variant (1), non-coding transcript variant (1).
Genome position (GRCh38, 1-based): chr7:105,565,447, T>C. VCF-style: chr7-105565447-T-C. GRCh37 (hg19) VCF-style: chr7-105205894-T-C.
Other names: c.384A>G, p.Ter128Trp (NM_001355526.2); c.*102A>G (NM_001355530.2); c.360A>G, p.Val120= (NM_001355531.2); c.1823T>C, p.Ile608Thr (NM_001346599.2); c.1034T>C, p.Ile345Thr (NM_001346600.2, NM_001346603.2); c.1133T>C, p.Ile378Thr (NM_001346601.2); short protein forms I378T, I345T, I686T, I608T.
Identifiers: ClinVar variation 4578214 (VCV004578214.1).

ClinVar aggregate classification (germline): Uncertain significance (1 of 4 stars; one submission).

Submission:

Ambry Genetics
Classification: Uncertain significance. Last evaluated: 2025-10-09. Review status: criteria provided, single submitter. Criteria: Ambry Variant Classification Scheme 2023. Collection method: clinical testing. Allele origin: germline.
Comment: The p.I686T variant (also known as c.2057T>C), located in coding exon 13 of the RINT1 gene, results from a T to C substitution at nucleotide position 2057. The isoleucine at codon 686 is replaced by threonine, an amino acid with similar properties. This amino acid position is conserved. In addition, the in silico prediction for this alteration is inconclusive. Based on the available evidence, the clinical significance of this variant remains unclear.